The following is an entry in ClinVar:

ClinVar aggregate classification (germline): Uncertain significance (1 of 4 stars; one submission).

Conditions:
Familial adenomatous polyposis 1 (FAP1). Also called: FAMILIAL ADENOMATOUS POLYPOSIS 1, ATTENUATED; POLYPOSIS, ADENOMATOUS INTESTINAL. Identifiers: MedGen C2713442, MONDO:0021056, OMIM 175100. Disease mechanism: loss of function.

Submission:

Labcorp Genetics (formerly Invitae), Labcorp
Classification: Uncertain significance for Familial adenomatous polyposis 1. Last evaluated: 2022-11-29. Review status: criteria provided, single submitter. Criteria: Invitae Variant Classification Sherloc (09022015). Collection method: clinical testing. Allele origin: germline.
Comment: In summary, the available evidence is currently insufficient to determine the role of this variant in disease. Therefore, it has been classified as a Variant of Uncertain Significance. This sequence change replaces lysine, which is basic and polar, with glutamic acid, which is acidic and polar, at codon 738 of the APC protein (p.Lys738Glu). This variant is not present in population databases (gnomAD no frequency). This variant has not been reported in the literature in individuals affected with APC-related conditions. Advanced modeling of protein sequence and biophysical properties (such as structural, functional, and spatial information, amino acid conservation, physicochemical variation, residue mobility, and thermodynamic stability) performed at Invitae indicates that this missense variant is not expected to disrupt APC protein function.

NM_000038.6(APC):c.2212A>G (p.Lys738Glu)

Gene: APC (APC regulator of Wnt signaling pathway; plus strand). Cytogenetic location: 5q22.2.
Variant type: single nucleotide variant.
Coding change: c.2212A>G on transcript NM_000038.6 (MANE Select); coding-DNA position 2212, A replaced by G.
Protein change: p.Lys738Glu; replaces lysine 738 with glutamic acid.
Molecular consequence: missense variant. On other transcripts: non-coding transcript variant (2).
Genome position (GRCh38, 1-based): chr5:112,837,806, A>G. VCF-style: chr5-112837806-A-G. GRCh37 (hg19) VCF-style: chr5-112173503-A-G.
Other names: c.2212A>G, p.Lys738Glu (NM_001127510.3, NM_001354895.2, NM_001407450.1); c.2158A>G, p.Lys720Glu (NM_001127511.3); c.2266A>G, p.Lys756Glu (NM_001354896.2, NM_001407447.1, NM_001407448.1 and 1 more transcripts); c.2242A>G, p.Lys748Glu (NM_001354897.2); c.2137A>G, p.Lys713Glu (NM_001354898.2); c.2128A>G, p.Lys710Glu (NM_001354899.2); c.2089A>G, p.Lys697Glu (NM_001354900.2); c.2035A>G, p.Lys679Glu (NM_001354901.2, NM_001407453.1); and 11 more; short protein forms K647E, K713E, K748E, K578E, K679E, K697E, K720E, K728E.
Identifiers: ClinVar variation 2779708 (VCV002779708.3), dbSNP rs2149863411, ClinGen allele CA16026178.